The following is an entry in ClinVar:

ClinVar aggregate classification (germline): Conflicting classifications of pathogenicity. Review status: criteria provided, conflicting classifications (1 of 4 stars). 3 submissions from 3 submitters: Uncertain significance (1); Likely benign (2). Last evaluated 2025-04-21.

Conditions:
Developmental and epileptic encephalopathy 94 (DEE94). Also called: Epileptic encephalopathy, childhood-onset; CHD2-Related Neurodevelopmental Disorders. Identifiers: Orphanet 1942, Orphanet 2382, MedGen C3809278, MONDO:0014150, OMIM 615369.

Allele frequency attached by ClinVar (database versions not stated): ExAC 0.00001; gnomAD 0.00001; gnomAD exomes 0.00001 and 0.00004; TOPMed 0.00002.
gnomAD v4.1: 23 of 1,614,062 alleles (0.0014%); highest among the groups gnomAD compares: East Asian, 0.018%; no homozygotes.

Submissions (3):

Labcorp Genetics (formerly Invitae), Labcorp
Classification: Likely benign for Developmental and epileptic encephalopathy 94. Last evaluated: 2025-04-21. Review status: criteria provided, single submitter. Criteria: Invitae Variant Classification Sherloc (09022015). Collection method: clinical testing. Allele origin: germline.

CeGaT Center for Human Genetics Tuebingen
Classification: Likely benign. Last evaluated: 2023-10-01. Review status: criteria provided, single submitter. Criteria: CeGaT Center For Human Genetics Tuebingen Variant Classification Criteria Version 2. Collection method: clinical testing. Allele origin: germline. Affected: yes. Observed: 2 variant alleles.
Comment: CHD2: BP4

GeneDx
Classification: Uncertain significance. Last evaluated: 2016-12-27. Review status: criteria provided, single submitter. Criteria: GeneDx Variant Classification (06012015). Collection method: clinical testing. Allele origin: germline. Affected: yes.
Comment: A variant of uncertain significance has been identified in the CHD2 gene. The S1659N variant has not been published as a pathogenic variant, nor has it been reported as a benign variant to our knowledge. The S1659N variant is not observed at a significant frequency in large population cohorts (Lek et al., 2016; 1000 Genomes Consortium et al., 2015; Exome Variant Server). The S1659N variant is a conservative amino acid substitution, which is not likely to impact secondary protein structure as these residues share similar properties. This substitution occurs at a position that is not conserved. However, in silico analysis is inconsistent in its predictions as to whether or not the variant is damaging to the protein structure/function. Therefore, based on the currently available information, it is unclear whether this variant is a pathogenic variant or a rare benign variant.

NM_001271.4(CHD2):c.4976G>A (p.Ser1659Asn)

Gene: CHD2 (chromodomain helicase DNA binding protein 2; plus strand). Cytogenetic location: 15q26.1.
Variant type: single nucleotide variant.
Coding change: c.4976G>A on transcript NM_001271.4 (MANE Select); coding-DNA position 4976, G replaced by A.
Protein change: p.Ser1659Asn; replaces serine 1659 with asparagine.
Molecular consequence: missense variant.
Genome position (GRCh38, 1-based): chr15:93,020,081, G>A. VCF-style: chr15-93020081-G-A. GRCh37 (hg19) VCF-style: chr15-93563311-G-A.
Other names: short protein forms S1659N.
Identifiers: ClinVar variation 392152 (VCV000392152.36), dbSNP rs748829883, ClinGen allele CA7748610.